The following is an entry in ClinVar:

ClinVar aggregate classification (germline): Uncertain significance (1 of 4 stars; one submission).

Conditions:
Cortical dysplasia-focal epilepsy syndrome (PTHSL1). Also called: Pitt-Hopkins-like syndrome 1. Identifiers: Orphanet 163681, Orphanet 221150, MedGen C2750246, MONDO:0012400, OMIM 610042.

Allele frequency attached by ClinVar (database versions not stated): gnomAD 0.00001 and 0.00002; ExAC 0.00002; gnomAD exomes 0.00002; TOPMed 0.00003.
gnomAD v4.1: 13 of 1,613,874 alleles (0.00081%); highest among the groups gnomAD compares: Admixed American, 0.0017%; no homozygotes.

Submission:

Labcorp Genetics (formerly Invitae), Labcorp
Classification: Uncertain significance for Cortical dysplasia-focal epilepsy syndrome. Last evaluated: 2022-10-05. Review status: criteria provided, single submitter. Criteria: Invitae Variant Classification Sherloc (09022015). Collection method: clinical testing. Allele origin: germline.
Comment: In summary, the available evidence is currently insufficient to determine the role of this variant in disease. Therefore, it has been classified as a Variant of Uncertain Significance. Algorithms developed to predict the effect of missense changes on protein structure and function are either unavailable or do not agree on the potential impact of this missense change (SIFT: "Deleterious"; PolyPhen-2: "Probably Damaging"; Align-GVGD: "Class C0"). ClinVar contains an entry for this variant (Variation ID: 662210). This variant has not been reported in the literature in individuals affected with CNTNAP2-related conditions. This variant is present in population databases (rs769071764, gnomAD 0.007%). This sequence change replaces arginine, which is basic and polar, with cysteine, which is neutral and slightly polar, at codon 462 of the CNTNAP2 protein (p.Arg462Cys).

NM_014141.6(CNTNAP2):c.1384C>T (p.Arg462Cys)

Gene: CNTNAP2 (contactin associated protein 2; plus strand). Cytogenetic location: 7q35.
Variant type: single nucleotide variant.
Coding change: c.1384C>T on transcript NM_014141.6 (MANE Select); coding-DNA position 1384, C replaced by T.
Protein change: p.Arg462Cys; replaces arginine 462 with cysteine.
Molecular consequence: missense variant.
Genome position (GRCh38, 1-based): chr7:147,300,176, C>T. VCF-style: chr7-147300176-C-T. GRCh37 (hg19) VCF-style: chr7-146997268-C-T.
Other names: short protein forms R462C.
Identifiers: ClinVar variation 662210 (VCV000662210.8), dbSNP rs769071764, ClinGen allele CA4546052.